The following is an entry in ClinVar:

ClinVar aggregate classification (germline): Pathogenic (1 of 4 stars; one submission).

Conditions:
Neurofibromatosis, type 2 (SWNV). Also called: BILATERAL ACOUSTIC NEUROFIBROMATOSIS; NF2-Related Schwannomatosis; SCHWANNOMATOSIS, VESTIBULAR. Identifiers: Orphanet 637, MedGen C0027832, MONDO:0007039, OMIM 101000. Disease mechanism: loss of function.

Submission:

Labcorp Genetics (formerly Invitae), Labcorp
Classification: Pathogenic for Neurofibromatosis, type 2. Last evaluated: 2023-02-18. Review status: criteria provided, single submitter. Criteria: Invitae Variant Classification Sherloc (09022015). Collection method: clinical testing. Allele origin: germline.
Comment: This sequence change creates a premature translational stop signal (p.Leu97Trpfs*26) in the NF2 gene. It is expected to result in an absent or disrupted protein product. Loss-of-function variants in NF2 are known to be pathogenic (PMID: 9643284, 16983642). This variant is not present in population databases (gnomAD no frequency). This variant has not been reported in the literature in individuals affected with NF2-related conditions. For these reasons, this variant has been classified as Pathogenic.

Literature cited by the submitters: PubMed 9643284; PubMed 16983642.

NM_000268.4(NF2):c.290del (p.Leu97fs)

Gene: NF2 (NF2, moesin-ezrin-radixin like (MERLIN) tumor suppressor; plus strand). Cytogenetic location: 22q12.2.
Variant type: Deletion.
Coding change: c.290del on transcript NM_000268.4 (MANE Select); coding-DNA position 290, one base deleted (T; older notation c.290delT).
Protein change: p.Leu97fs; shifts the reading frame from leucine 97.
Molecular consequence: frameshift variant. On other transcripts: 5 prime UTR variant (1), intron variant (8).
Genome position (GRCh38, 1-based): chr22:29,639,139, T deleted; the last of 2 consecutive T bases (chr22:29,639,138-29,639,139); deleting either gives the same sequence. VCF-style (leftmost placement, unchanged base first): chr22-29639137-CT-C. GRCh37 (hg19) VCF-style: chr22-30035126-CT-C.
Other names: c.176del, p.Leu59fs (NM_001407053.1, NM_001407056.1); c.164del, p.Leu55fs (NM_001407055.1, NM_181828.3); c.290del, p.Leu97fs (NM_001407057.1, NM_001407059.1, NM_001407060.1 and 5 more transcripts); c.-351del (NM_001407065.1); c.59del, p.Leu20fs (NM_001407067.1); c.240+2263del (NM_001407058.1, NM_181829.3, NM_001407054.1 and 1 more transcripts); c.115-3063del (NM_001407063.1, NM_181830.3, NM_001407064.1 and 1 more transcripts); short protein forms L20fs, L55fs, L59fs, L97fs.
Identifiers: ClinVar variation 2838592 (VCV002838592.3), dbSNP rs2518436718, ClinGen allele CA514191635.